The following is an entry in ClinVar:

ClinVar aggregate classification (germline): Likely benign. Review status: criteria provided, multiple submitters, no conflicts (2 of 4 stars). 3 submissions from 3 submitters: Likely benign (3). Last evaluated 2025-11-26.

Conditions:
Charcot-Marie-Tooth disease axonal type 2O. Also called: Charcot-Marie-Tooth Neuropathy Type 2O; Charcot-Marie-Tooth disease, axonal, type 20; CHARCOT-MARIE-TOOTH NEUROPATHY, AXONAL, TYPE 2O; CHARCOT-MARIE-TOOTH DISEASE, AXONAL, AUTOSOMAL DOMINANT, TYPE 2O. Identifiers: Orphanet 284232, MedGen C3280220, MONDO:0013644, OMIM 614228.

Allele frequency attached by ClinVar (database versions not stated): gnomAD 0.00001; TOPMed 0.00001; gnomAD exomes 0.00002 and 0.00005; ExAC 0.00003; ESP Exome Variant Server 0.00015; 1000 Genomes Project 30x 0.00016; 1000 Genomes Project 0.00020.
gnomAD v4.1: 79 of 1,614,190 alleles (0.0049%); highest among the groups gnomAD compares: Non-Finnish European, 0.0066%; no homozygotes.

Submissions (3):

Labcorp Genetics (formerly Invitae), Labcorp
Classification: Likely benign for Charcot-Marie-Tooth disease axonal type 2O. Last evaluated: 2025-11-26. Review status: criteria provided, single submitter. Criteria: Invitae Variant Classification Sherloc (09022015). Collection method: clinical testing. Allele origin: germline.

Women's Health and Genetics/Laboratory Corporation of America, LabCorp
Classification: Likely benign. Last evaluated: 2025-07-02. Review status: criteria provided, single submitter. Criteria: LabCorp Variant Classification Summary - May 2015. Collection method: clinical testing. Allele origin: germline.

Mayo Clinic Laboratories, Mayo Clinic
Classification: Likely benign. Last evaluated: 2025-02-26. Review status: criteria provided, single submitter. Criteria: ACMG Guidelines, 2015. Collection method: clinical testing. Allele origin: germline. Observed: 1 variant allele.
Comment: BS2, BP4, BP7

NM_001376.5(DYNC1H1):c.456C>T (p.Phe152=)

Gene: DYNC1H1 (dynein cytoplasmic 1 heavy chain 1; plus strand). Cytogenetic location: 14q32.31.
Variant type: single nucleotide variant.
Coding change: c.456C>T on transcript NM_001376.5 (MANE Select); coding-DNA position 456, C replaced by T.
Protein change: p.Phe152=; no amino-acid change (phenylalanine 152 retained).
Molecular consequence: synonymous variant.
Genome position (GRCh38, 1-based): chr14:101,979,430, C>T. VCF-style: chr14-101979430-C-T. GRCh37 (hg19) VCF-style: chr14-102445767-C-T.
Other names: p.Phe152=.
Identifiers: ClinVar variation 736991 (VCV000736991.13), dbSNP rs148062994, ClinGen allele CA7351533.